The following is an entry in ClinVar:

ClinVar aggregate classification (germline): Likely pathogenic (1 of 4 stars; one submission).

Submission:

GeneDx
Classification: Likely pathogenic. Last evaluated: 2025-09-01. Review status: criteria provided, single submitter. Criteria: GeneDx Variant Classification Process June 2021. Collection method: clinical testing. Allele origin: germline. Affected: yes.
Comment: Canonical splice site variant predicted to result in a null allele in a gene for which loss of function is a known mechanism of disease; Not observed at significant frequency in large population cohorts (gnomAD); Has not been previously published as pathogenic or benign to our knowledge

NM_001042424.3(NSD2):c.597+1G>A

Gene: NSD2 (nuclear receptor binding SET domain protein 2; plus strand). Cytogenetic location: 4p16.3.
Variant type: single nucleotide variant.
Coding change: c.597+1G>A on transcript NM_001042424.3 (MANE Select); the canonical splice donor site of the intron after coding-DNA position 597, G replaced by A.
Molecular consequence: splice donor variant. On other transcripts: missense variant (1).
Genome position (GRCh38, 1-based): chr4:1,901,252, G>A. VCF-style: chr4-1901252-G-A. GRCh37 (hg19) VCF-style: chr4-1902979-G-A.
Other names: c.598G>A, p.Val200Ile (NM_001440893.1); c.597+1G>A (NM_001440892.1, NM_001440894.1, NM_001440895.1 and 8 more transcripts); c.-477+1G>A (NM_001440900.1); c.-210+1G>A (NM_001440899.1); short protein forms V200I.
Identifiers: ClinVar variation 4812887 (VCV004812887.1).